The following is an entry in ClinVar:

ClinVar aggregate classification (germline): Pathogenic (1 of 4 stars; one submission).

Conditions:
Primary ciliary dyskinesia 9. Also called: CILIARY DYSKINESIA, PRIMARY, 9, WITH OR WITHOUT SITUS INVERSUS. Identifiers: Orphanet 244, MedGen C2676235, MONDO:0012906, OMIM 612444.

Submission:

Myriad Genetics, Inc.
Classification: Pathogenic for Primary ciliary dyskinesia 9. Last evaluated: 2025-07-22. Review status: criteria provided, single submitter. Criteria: Myriad Autosomal Dominant, Autosomal Recessive and X-Linked Classification Criteria (2023). Collection method: clinical testing. Allele origin: unknown.
Comment: NM_023036.4(DNAI2):c.217_218delGG(G73Sfs*2) is expected to be pathogenic in the context of primary ciliary dyskinesia, DNAI2-related. This variant is predicted to lead to an abnormal or absent protein product due to the creation of a premature termination codon in DNAI2, a gene where loss-of-function variants are known to be pathogenic. Please note: this variant was assessed in the context of healthy population screening.

NM_023036.6(DNAI2):c.217_218del (p.Gly73fs)

Gene: DNAI2 (dynein axonemal intermediate chain 2; plus strand). Cytogenetic location: 17q25.1.
Variant type: Deletion.
Coding change: c.217_218del on transcript NM_023036.6 (MANE Select); coding-DNA positions 217 to 218, 2 bases deleted (GG; older notation c.217_218delGG).
Protein change: p.Gly73fs; shifts the reading frame from glycine 73.
Molecular consequence: frameshift variant. On other transcripts: non-coding transcript variant (1).
Genome position (GRCh38, 1-based): chr17:74,285,073-74,285,074, GG deleted; deleting any 2 consecutive bases within chr17:74,285,071-74,285,074 gives the same sequence; the c. name uses the placement nearest the transcript's 3' end. VCF-style (leftmost placement, unchanged base first): chr17-74285070-CGG-C. GRCh37 (hg19) VCF-style: chr17-72281209-CGG-C.
Other names: c.217_218del, p.Gly73fs (NM_001172810.3, NM_001353167.2); short protein forms G73fs.
Identifiers: ClinVar variation 5014760 (VCV005014760.1).